The following is an entry in ClinVar:

ClinVar aggregate classification (germline): Uncertain significance (0 of 4 stars; one submission).

Conditions:
SEMA3F-related disorder. Also called: SEMA3F-related condition.

gnomAD v4.1: 4 of 1,602,566 alleles (0.00025%); highest among the groups gnomAD compares: African/African-American, 0.004%; no homozygotes.

Submission:

PreventionGenetics, part of Exact Sciences
Classification: Uncertain significance for SEMA3F-related condition. Last evaluated: 2024-04-18. Review status: no assertion criteria provided. Collection method: clinical testing. Allele origin: germline.
Comment: The SEMA3F c.2255A>T variant is predicted to result in the amino acid substitution p.His752Leu. To our knowledge, this variant has not been reported in the literature or in a large population database, indicating this variant is rare. At this time, the clinical significance of this variant is uncertain due to the absence of conclusive functional and genetic evidence.

NM_004186.5(SEMA3F):c.2255A>T (p.His752Leu)

Gene: SEMA3F (semaphorin 3F; plus strand). Cytogenetic location: 3p21.31.
Variant type: single nucleotide variant.
Coding change: c.2255A>T on transcript NM_004186.5 (MANE Select); coding-DNA position 2255, A replaced by T.
Protein change: p.His752Leu; replaces histidine 752 with leucine.
Molecular consequence: missense variant.
Genome position (GRCh38, 1-based): chr3:50,188,012, A>T. VCF-style: chr3-50188012-A-T. GRCh37 (hg19) VCF-style: chr3-50225445-A-T.
Other names: c.1958A>T, p.His653Leu (NM_001318798.2); c.2162A>T, p.His721Leu (NM_001318800.2); short protein forms H653L, H721L, H752L.
Identifiers: ClinVar variation 3347344 (VCV003347344.1).